The following is an entry in ClinVar:

NM_212482.4(FN1):c.2557A>C (p.Ser853Arg)

Gene: FN1 (fibronectin 1; minus strand). Cytogenetic location: 2q35.
Variant type: single nucleotide variant.
Coding change: c.2557A>C on transcript NM_212482.4 (MANE Select); coding-DNA position 2557, A replaced by C.
Protein change: p.Ser853Arg; replaces serine 853 with arginine.
Molecular consequence: missense variant.
Genome position (GRCh38, 1-based): chr2:215,407,283, T>G on the plus strand (A>C on the coding strand, the complement: FN1 is on the minus strand). VCF-style: chr2-215407283-T-G. GRCh37 (hg19) VCF-style: chr2-216272006-T-G.
Other names: c.2557A>C, p.Ser853Arg (NM_001306129.2, NM_001306130.2, NM_001306131.2 and 13 more transcripts); short protein forms S853R.
Identifiers: ClinVar variation 2967012 (VCV002967012.3), dbSNP rs1278684722, ClinGen allele CA350490597.
Genomic context (GRCh38, chr2:215,407,283, plus strand): 5'-CAGGTTGCAAGTCACTGAGGGTGACGGAGTTTGCAGTTTCAGGAAGGTTGAGTTCTGTGC[T>G]GCTACCTTCTACTGATGGCGAATAGACTATTCTGTACCCTGCAGATTCATGAGCAAAAGT-3'
Protein context (NP_997647.2, residues 843-863): IVYSPSVEGS[Ser853Arg]TELNLPETAN

ClinVar aggregate classification (germline): Uncertain significance (1 of 4 stars; one submission).

Allele frequency attached by ClinVar (database versions not stated): gnomAD exomes below 0.00001.
gnomAD v4.1: 7 of 1,614,210 alleles (0.00043%); highest among the groups gnomAD compares: Non-Finnish European, 0.00059%; no homozygotes.

Submission:

Labcorp Genetics (formerly Invitae), Labcorp
Classification: Uncertain significance. Last evaluated: 2023-07-17. Review status: criteria provided, single submitter. Criteria: Invitae Variant Classification Sherloc (09022015). Collection method: clinical testing. Allele origin: germline.
Comment: This sequence change replaces serine, which is neutral and polar, with arginine, which is basic and polar, at codon 853 of the FN1 protein (p.Ser853Arg). This variant is not present in population databases (gnomAD no frequency). This variant has not been reported in the literature in individuals affected with FN1-related conditions. Advanced modeling of protein sequence and biophysical properties (such as structural, functional, and spatial information, amino acid conservation, physicochemical variation, residue mobility, and thermodynamic stability) performed at Invitae indicates that this missense variant is not expected to disrupt FN1 protein function. In summary, the available evidence is currently insufficient to determine the role of this variant in disease. Therefore, it has been classified as a Variant of Uncertain Significance.